The following is an entry in ClinVar:

NM_005629.4(SLC6A8):c.813C>T (p.Val271=)

Gene: SLC6A8 (solute carrier family 6 member 8; plus strand). Cytogenetic location: Xq28.
Variant type: single nucleotide variant.
Coding change: c.813C>T on transcript NM_005629.4 (MANE Select); coding-DNA position 813, C replaced by T.
Protein change: p.Val271=; no amino-acid change (valine 271 retained).
Molecular consequence: synonymous variant.
Genome position (GRCh38, 1-based): chrX:153,693,076, C>T. VCF-style: chrX-153693076-C-T. GRCh37 (hg19) VCF-style: chrX-152958531-C-T.
Other names: p.Val271=; c.813C>T, p.Val271= (NM_001142805.2); c.468C>T, p.Val156= (NM_001142806.1).
Identifiers: ClinVar variation 379427 (VCV000379427.70), dbSNP rs138064933, ClinGen allele CA10549331.

ClinVar aggregate classification (germline): Benign/Likely benign. Review status: criteria provided, multiple submitters, no conflicts (2 of 4 stars). 12 submissions from 12 submitters: Benign (5); Likely benign (4). 3 of the submissions do not count toward it. Last evaluated 2026-01-27.

Conditions:
Inborn genetic diseases. Identifiers: MedGen C0950123, MeSH D030342.
SLC6A8-related disorder. Also called: SLC6A8-related condition.
Creatine transporter deficiency (CCDS1). Also called: SLC6A8-Related Creatine Transporter Deficiency; CREATINE TRANSPORTER DEFECT; CEREBRAL CREATINE DEFICIENCY SYNDROME 1; Mental retardation , X-linked with seizures, short stature and midface hypoplasia; Mental retardation , X-linked, with creatine transport deficiency; X-linked creatine transporter deficiency. Identifiers: Orphanet 52503, MedGen C1845862, MONDO:0010305, OMIM 300352.
Rhombencephalosynapsis. Identifiers: Orphanet 59315, MedGen C1866130, MONDO:0018946, HP:0031913.

Allele frequency attached by ClinVar (database versions not stated): 1000 Genomes Project 0.00053; 1000 Genomes Project 30x 0.00062; gnomAD 0.00248; TOPMed 0.00264; ESP Exome Variant Server 0.00275; gnomAD exomes 0.00334 and 0.00336; ExAC 0.00335.
gnomAD v4.1: 3,985 of 1,209,832 alleles (0.33%); highest among the groups gnomAD compares: Middle Eastern, 0.37%; 13 homozygotes.

Submissions (12):

Labcorp Genetics (formerly Invitae), Labcorp
Classification: Benign for Creatine transporter deficiency. Last evaluated: 2026-01-27. Review status: criteria provided, single submitter. Criteria: Invitae Variant Classification Sherloc (09022015). Collection method: clinical testing. Allele origin: germline.

Mayo Clinic Laboratories, Mayo Clinic
Classification: Benign. Last evaluated: 2025-01-20. Review status: criteria provided, single submitter. Criteria: ACMG Guidelines, 2015. Collection method: clinical testing. Allele origin: germline. Observed: 2 variant alleles.
Comment: BA1, BP4

Athena Diagnostics
Classification: Benign. Last evaluated: 2023-12-29. Review status: criteria provided, single submitter. Criteria: Athena Diagnostics Criteria. Collection method: clinical testing. Allele origin: unknown.

Fulgent Genetics
Classification: Likely benign for Creatine transporter deficiency. Last evaluated: 2021-12-03. Review status: criteria provided, single submitter. Criteria: ACMG Guidelines, 2015. Collection method: clinical testing. Allele origin: unknown.

GeneDx
Classification: Likely benign. Last evaluated: 2021-09-27. Review status: criteria provided, single submitter. Criteria: GeneDx Variant Classification Process June 2021. Collection method: clinical testing. Allele origin: germline. Affected: yes.
Comment: This variant is associated with the following publications: (PMID: 16738945)

Genetic Services Laboratory, University of Chicago
Classification: Benign. Last evaluated: 2019-09-17. Review status: criteria provided, single submitter. Criteria: ACMG Guidelines, 2015. Collection method: clinical testing. Allele origin: germline. Affected: no.

Cambridge Genomics Laboratory, East Genomic Laboratory Hub, NHS Genomic Medicine Service
Classification: Benign for Rhombencephalosynapsis. Last evaluated: 2019-04-17. Review status: criteria provided, single submitter. Criteria: ACGS Best Practice Guidelines for Variant Classification in Rare Disease 2020. Collection method: clinical testing. Allele origin: germline. Affected: yes. Observed: 1 variant allele.

Ambry Genetics
Classification: Likely benign for Inborn genetic diseases. Last evaluated: 2016-04-15. Review status: criteria provided, single submitter. Criteria: Ambry Variant Classification Scheme 2023. Collection method: clinical testing. Allele origin: germline.

Breakthrough Genomics
Classification: Likely benign. Review status: criteria provided, single submitter. Criteria: ACMG Guidelines, 2015. Collection method: not provided. Allele origin: germline. Inheritance: X-linked inheritance. Affected: yes.

PreventionGenetics, part of Exact Sciences
Classification: Benign for SLC6A8-related condition. Last evaluated: 2019-10-07. Review status: no assertion criteria provided. Collection method: clinical testing. Allele origin: germline. Not counted in ClinVar's aggregate classification.
Comment: This variant is classified as benign based on ACMG/AMP sequence variant interpretation guidelines (Richards et al. 2015 PMID: 25741868, with internal and published modifications).

Clinical Genetics DNA and cytogenetics Diagnostics Lab, Erasmus MC, Erasmus Medical Center
Classification: Likely benign. Review status: no assertion criteria provided. Collection method: clinical testing. Allele origin: germline. Affected: yes. Study: VKGL Data-share Consensus. Not counted in ClinVar's aggregate classification.

Genome Diagnostics Laboratory, University Medical Center Utrecht
Classification: Likely benign. Review status: no assertion criteria provided. Collection method: clinical testing. Allele origin: germline. Affected: yes. Study: VKGL Data-share Consensus. Not counted in ClinVar's aggregate classification.

Literature cited by the submitters: PubMed 16738945 (cited by Mayo Clinic Laboratories, Mayo Clinic and Athena Diagnostics); PubMed 20717164 (cited by Mayo Clinic Laboratories, Mayo Clinic); PubMed 28758966 (cited by Mayo Clinic Laboratories, Mayo Clinic and Athena Diagnostics).